The following is an entry in ClinVar:

ClinVar aggregate classification (germline): Uncertain significance (1 of 4 stars; one submission).

Conditions:
Holoprosencephaly 11 (HPE11). Identifiers: Orphanet 2162, MedGen C3280215, MONDO:0013642, OMIM 614226.

Submission:

Labcorp Genetics (formerly Invitae), Labcorp
Classification: Uncertain significance for Holoprosencephaly 11. Last evaluated: 2023-09-22. Review status: criteria provided, single submitter. Criteria: Invitae Variant Classification Sherloc (09022015). Collection method: clinical testing. Allele origin: germline.
Comment: An algorithm developed to predict the effect of missense changes on protein structure and function (PolyPhen-2) suggests that this variant is likely to be disruptive. In summary, the available evidence is currently insufficient to determine the role of this variant in disease. Therefore, it has been classified as a Variant of Uncertain Significance. This variant has not been reported in the literature in individuals affected with CDON-related conditions. This sequence change replaces aspartic acid, which is acidic and polar, with glycine, which is neutral and non-polar, at codon 120 of the CDON protein (p.Asp120Gly). This variant is not present in population databases (gnomAD no frequency).

NM_001378964.1(CDON):c.359A>G (p.Asp120Gly)

Gene: CDON (cell adhesion associated, oncogene regulated; minus strand). Cytogenetic location: 11q24.2.
Variant type: single nucleotide variant.
Coding change: c.359A>G on transcript NM_001378964.1 (MANE Select); coding-DNA position 359, A replaced by G.
Protein change: p.Asp120Gly; replaces aspartic acid 120 with glycine.
Molecular consequence: missense variant.
Genome position (GRCh38, 1-based): chr11:126,019,756, T>C on the plus strand (A>G on the coding strand, the complement: CDON is on the minus strand). VCF-style: chr11-126019756-T-C. GRCh37 (hg19) VCF-style: chr11-125889651-T-C.
Other names: c.359A>G, p.Asp120Gly (NM_001243597.3, NM_016952.6); short protein forms D120G.
Identifiers: ClinVar variation 2769841 (VCV002769841.3), dbSNP rs1565534038, ClinGen allele CA383211785.